The following is an entry in ClinVar:

ClinVar aggregate classification (germline): Uncertain significance (1 of 4 stars; one submission).

Allele frequency attached by ClinVar (database versions not stated): gnomAD exomes below 0.00001; TOPMed below 0.00001.

Submission:

Labcorp Genetics (formerly Invitae), Labcorp
Classification: Uncertain significance. Last evaluated: 2023-05-05. Review status: criteria provided, single submitter. Criteria: Invitae Variant Classification Sherloc (09022015). Collection method: clinical testing. Allele origin: germline.
Comment: This sequence change replaces proline, which is neutral and non-polar, with serine, which is neutral and polar, at codon 7 of the KAT6A protein (p.Pro7Ser). This variant is not present in population databases (gnomAD no frequency). This variant has not been reported in the literature in individuals affected with KAT6A-related conditions. Advanced modeling of protein sequence and biophysical properties (such as structural, functional, and spatial information, amino acid conservation, physicochemical variation, residue mobility, and thermodynamic stability) performed at Invitae indicates that this missense variant is not expected to disrupt KAT6A protein function. In summary, the available evidence is currently insufficient to determine the role of this variant in disease. Therefore, it has been classified as a Variant of Uncertain Significance.

NM_006766.5(KAT6A):c.19C>T (p.Pro7Ser)

Gene: KAT6A (lysine acetyltransferase 6A; minus strand). Cytogenetic location: 8p11.21.
Variant type: single nucleotide variant.
Coding change: c.19C>T on transcript NM_006766.5 (MANE Select); coding-DNA position 19, C replaced by T.
Protein change: p.Pro7Ser; replaces proline 7 with serine.
Molecular consequence: missense variant.
Genome position (GRCh38, 1-based): chr8:42,048,959, G>A on the plus strand (C>T on the coding strand, the complement: KAT6A is on the minus strand). VCF-style: chr8-42048959-G-A. GRCh37 (hg19) VCF-style: chr8-41906477-G-A.
Other names: c.19C>T, p.Pro7Ser (NM_001305878.2); short protein forms P7S.
Identifiers: ClinVar variation 2867357 (VCV002867357.3), dbSNP rs1802458956, ClinGen allele CA371175608.